The following is an entry in ClinVar:

NM_005359.6(SMAD4):c.1541del (p.Pro514fs)

Gene: SMAD4 (SMAD family member 4; plus strand). Cytogenetic location: 18q21.2.
Variant type: Deletion.
Coding change: c.1541del on transcript NM_005359.6 (MANE Select); coding-DNA position 1541, one base deleted (C; older notation c.1541delC).
Protein change: p.Pro514fs; shifts the reading frame from proline 514.
Molecular consequence: frameshift variant. On other transcripts: non-coding transcript variant (1).
Genome position (GRCh38, 1-based): chr18:51,078,349, C deleted; the last of 3 consecutive C bases (chr18:51,078,347-51,078,349); deleting any one gives the same sequence. VCF-style (leftmost placement, unchanged base first): chr18-51078346-AC-A. GRCh37 (hg19) VCF-style: chr18-48604716-AC-A.
Other names: c.1541del, p.Pro514fs (NM_001407041.1, NM_001407042.1); short protein forms P514fs.
Identifiers: ClinVar variation 3383020 (VCV003383020.2).
Genomic context (GRCh38, chr18:51,078,346, plus strand): 5'-ATGACCTTCGTCGCTTATGCATACTCAGGATGAGTTTTGTGAAAGGCTGGGGACCGGATT[AC>A]CCAAGACAGAGCATCAAAGAAACACCTTGCTGGATTGAAATTCACTTACACCGGGCCCTC-3'

ClinVar aggregate classification (germline): Likely pathogenic (1 of 4 stars; one submission).

Conditions:
Juvenile polyposis/hereditary hemorrhagic telangiectasia syndrome (JPHT). Also called: JP/HHT SYNDROME; JUVENILE POLYPOSIS WITH HEREDITARY HEMORRHAGIC TELANGIECTASIA; POLYPOSIS, GENERALIZED JUVENILE, WITH PULMONARY ARTERIOVENOUS MALFORMATION; TELANGIECTASIA, HEREDITARY HEMORRHAGIC, WITH JUVENILE POLYPOSIS COLI; Juvenile Polyposis Syndrome / Hereditary Hemorrhagic Telangiectasia (JPS/HHT). Identifiers: Orphanet 2929, MedGen C1832942, MONDO:0008278, OMIM 175050.
Juvenile polyposis syndrome (JPS). Identifiers: Orphanet 2929, MedGen C0345893, MONDO:0017380, OMIM 174900.
Myhre syndrome (MYHRS). Also called: LARYNGOTRACHEAL STENOSIS, ARTHROPATHY, PROGNATHISM, AND SHORT STATURE; LAPS SYNDROME. Identifiers: Orphanet 2588, MedGen C0796081, MONDO:0007688, OMIM 139210.
Familial pancreatic carcinoma. Identifiers: Orphanet 1333, MedGen C2931038, MONDO:0015278, OMIM 260350.

Submission:

Juno Genomics, Hangzhou Juno Genomics, Inc
Classification: Likely pathogenic for Juvenile polyposis/hereditary hemorrhagic telangiectasia syndrome; Myhre syndrome; Familial pancreatic carcinoma; Juvenile polyposis syndrome. Review status: criteria provided, single submitter. Criteria: ACMG Guidelines, 2015. Collection method: clinical testing. Allele origin: germline. Affected: yes.
Comment: Absent from controls (or at extremely low frequency if recessive) in Genome Aggregation Database, Exome Sequencing Project, 1000 Genomes Project, or Exome Aggregation Consortium.;Null variant in a gene where loss of function (LOF) is a known mechanism of disease.;Patient's phenotype or family history is highly specific for a disease with a single genetic etiology.